The following is an entry in ClinVar:

ClinVar aggregate classification (germline): Uncertain significance (1 of 4 stars; one submission).

Submission:

Labcorp Genetics (formerly Invitae), Labcorp
Classification: Uncertain significance. Last evaluated: 2023-02-14. Review status: criteria provided, single submitter. Criteria: Invitae Variant Classification Sherloc (09022015). Collection method: clinical testing. Allele origin: unknown.
Comment: This variant is a gross deletion of the genomic region encompassing exon(s) 2-5 of the RP9 gene. This variant would be expected to be in-frame, preserving the integrity of the reading frame. This variant has not been reported in the literature in individuals affected with RP9-related conditions. Experimental studies and prediction algorithms are not available or were not evaluated, and the functional significance of this variant is currently unknown. In summary, the available evidence is currently insufficient to determine the role of this variant in disease. Therefore, it has been classified as a Variant of Uncertain Significance.

NC_000007.13:g.(?_33136085)_(33140193_?)del

Gene: RP9 (RP9 pre-mRNA splicing factor; minus strand). Cytogenetic location: 7p14.3.
Variant type: Deletion.
Identifiers: ClinVar variation 3245943 (VCV003245943.1).